The following is an entry in ClinVar:

ClinVar aggregate classification (germline): Likely pathogenic (1 of 4 stars; one submission).

Conditions:
SRY-related disorder. Also called: SRY-related condition.

Submission:

PreventionGenetics, part of Exact Sciences
Classification: Likely pathogenic for SRY-related condition. Last evaluated: 2025-06-11. Review status: criteria provided, single submitter. Criteria: ACMG Guidelines, 2015. Collection method: clinical testing. Allele origin: germline.
Comment: The SRY c.267_268delGA variant is predicted to result in a frameshift and premature protein termination (p.Glu89Aspfs*14). To our knowledge, this variant has not been reported in the literature or in a large population database (gnomAD), indicating this variant is rare. Frameshift variants in SRY are expected to be pathogenic. This variant is interpreted as likely pathogenic.

NM_003140.3(SRY):c.267_268del (p.Glu89fs)

Gene: SRY (sex determining region Y; minus strand). Cytogenetic location: Yp11.2.
Variant type: Microsatellite.
Coding change: c.267_268del on transcript NM_003140.3 (MANE Select); coding-DNA positions 267 to 268, 2 bases deleted (GA; older notation c.267_268delGA).
Protein change: p.Glu89fs; shifts the reading frame from glutamic acid 89.
Molecular consequence: frameshift variant.
Genome position (GRCh38, 1-based): chrY:2,787,336-2,787,337, TC deleted on the plus strand (GA on the coding strand, the reverse complement: SRY is on the minus strand); deleting any 2 consecutive bases within chrY:2,787,336-2,787,340 gives the same sequence; the c. name uses the placement nearest the transcript's 3' end. VCF-style (leftmost placement, unchanged base first): chrY-2787335-ATC-A. GRCh37 (hg19) VCF-style: chrY-2655376-ATC-A.
Other names: short protein forms E89fs.
Identifiers: ClinVar variation 5000958 (VCV005000958.1).